The following is an entry in ClinVar:

NM_004187.5(KDM5C):c.1354G>A (p.Gly452Ser)

Gene: KDM5C (lysine demethylase 5C; minus strand). Cytogenetic location: Xp11.22.
Variant type: single nucleotide variant.
Coding change: c.1354G>A on transcript NM_004187.5 (MANE Select); coding-DNA position 1354, G replaced by A.
Protein change: p.Gly452Ser; replaces glycine 452 with serine.
Molecular consequence: missense variant. On other transcripts: non-coding transcript variant (3).
Genome position (GRCh38, 1-based): chrX:53,211,544, C>T on the plus strand (G>A on the coding strand, the complement: KDM5C is on the minus strand). VCF-style: chrX-53211544-C-T. GRCh37 (hg19) VCF-style: chrX-53240726-C-T.
Other names: c.1153G>A (NM_001146702.1); c.1153G>A, p.Gly385Ser (NM_001146702.2); c.1351G>A, p.Gly451Ser (NM_001282622.3, NM_001353979.2, NM_001353982.2); c.1354G>A, p.Gly452Ser (NM_001353978.3, NM_001353981.2, NM_001353984.2); c.1354G>A (NM_004187.2); short protein forms G385S, G452S, G451S.
Identifiers: ClinVar variation 873536 (VCV000873536.13), dbSNP rs2073559814, ClinGen allele CA413129678.

ClinVar aggregate classification (germline): Uncertain significance. Review status: criteria provided, multiple submitters, no conflicts (2 of 4 stars). 4 submissions from 4 submitters: Uncertain significance (4). Last evaluated 2025-04-24.

Conditions:
Spastic paraplegia. Identifiers: MedGen C0037772, HP:0001258.
Intellectual developmental disorder, X-linked, syndromic, Claes-Jensen type. Also called: Syndromic X-linked intellectual disability Claes-Jensen type; INTELLECTUAL DEVELOPMENTAL DISORDER, X-LINKED, SYNDROMIC 16; MENTAL RETARDATION, X-LINKED, SYNDROMIC 16. Identifiers: Orphanet 85279, MedGen C1845243, MONDO:0010355, OMIM 300534.

Submissions (4):

GeneDx
Classification: Uncertain significance. Last evaluated: 2025-04-24. Review status: criteria provided, single submitter. Criteria: GeneDx Variant Classification Process June 2021. Collection method: clinical testing. Allele origin: germline. Affected: yes.
Comment: Not observed at significant frequency in large population cohorts (gnomAD); In silico analysis supports that this missense variant has a deleterious effect on protein structure/function; This variant is associated with the following publications: (PMID: 34615535, 34469436)

Genomic Medicine Center of Excellence, King Faisal Specialist Hospital and Research Centre
Classification: Uncertain significance for Intellectual developmental disorder, X-linked, syndromic, Claes-Jensen type. Last evaluated: 2024-09-22. Review status: criteria provided, single submitter. Criteria: ACMG Guidelines, 2015. Collection method: clinical testing. Allele origin: germline.

Labcorp Genetics (formerly Invitae), Labcorp
Classification: Uncertain significance for Spastic paraplegia. Last evaluated: 2021-02-23. Review status: criteria provided, single submitter. Criteria: Invitae Variant Classification Sherloc (09022015). Collection method: clinical testing. Allele origin: germline.
Comment: This sequence change replaces glycine with serine at codon 452 of the KDM5C protein (p.Gly452Ser). The glycine residue is highly conserved and there is a small physicochemical difference between glycine and serine. This variant is not present in population databases (ExAC no frequency). This variant has not been reported in the literature in individuals with KDM5C-related conditions. ClinVar contains an entry for this variant (Variation ID: 873536). Advanced modeling of protein sequence and biophysical properties (such as structural, functional, and spatial information, amino acid conservation, physicochemical variation, residue mobility, and thermodynamic stability) performed at Invitae indicates that this missense variant is expected to disrupt KDM5C protein function. In summary, the available evidence is currently insufficient to determine the role of this variant in disease. Therefore, it has been classified as a Variant of Uncertain Significance.

Illumina Laboratory Services, Illumina
Classification: Uncertain significance for Mental retardation, syndromic, Claes-Jensen type, X-linked. Last evaluated: 2020-01-21. Review status: criteria provided, single submitter. Criteria: ICSLVariantClassificationCriteria RUGD 01 April 2020. Collection method: clinical testing. Allele origin: unknown.
Comment: The KDM5C c.1354G>A (p.Gly452Ser) variant is a missense variant. A literature search was performed for the gene, cDNA change, and amino acid change. No publications were found based on this search. This variant is not found in the Genome Aggregation Database in a region of good sequence coverage, so the variant is presumed to be rare. Based on the limited evidence, the p.Gly452Ser variant is classified as a variant of unknown significance for KDM5C-X-linked intellectual disability.